The following is an entry in ClinVar:

NM_181882.3(PRX):c.705G>T (p.Glu235Asp)

Gene: PRX (periaxin; minus strand). Cytogenetic location: 19q13.2.
Variant type: single nucleotide variant.
Coding change: c.705G>T on transcript NM_181882.3 (MANE Select); coding-DNA position 705, G replaced by T.
Protein change: p.Glu235Asp; replaces glutamic acid 235 with aspartic acid.
Molecular consequence: missense variant. On other transcripts: 3 prime UTR variant (1).
Genome position (GRCh38, 1-based): chr19:40,397,647, C>A on the plus strand (G>T on the coding strand, the complement: PRX is on the minus strand). VCF-style: chr19-40397647-C-A. GRCh37 (hg19) VCF-style: chr19-40903554-C-A.
Other names: c.*910G>T (NM_020956.2); short protein forms E235D.
Identifiers: ClinVar variation 1401872 (VCV001401872.6), dbSNP rs2079454196, ClinGen allele CA405899843.
Genomic context (GRCh38, chr19:40,397,647, plus strand): 5'-CTTGGGGGCTGAGACCTGGGGGACACCCACCTCCGCCCCTGGCAGCCGCGGCCCAACCAG[C>A]TCCACCTGAGGGGCTGTGAAACGAGCTCCTGCAGCCACCTCAGCCTCCACCTTGGCTTTC-3'
Protein context (NP_870998.2, residues 225-245): AGARFTAPQV[Glu235Asp]LVGPRLPGAE

ClinVar aggregate classification (germline): Uncertain significance (1 of 4 stars; one submission).

Conditions:
Charcot-Marie-Tooth disease type 4. Also called: Charcot-Marie-Tooth disease, type IV; Charcot-Marie-Tooth, Type 4. Identifiers: Orphanet 64749, MedGen C4082197, MONDO:0018995.

Allele frequency attached by ClinVar (database versions not stated): TOPMed 0.00001.

Submission:

Labcorp Genetics (formerly Invitae), Labcorp
Classification: Uncertain significance for Charcot-Marie-Tooth disease type 4. Last evaluated: 2021-09-22. Review status: criteria provided, single submitter. Criteria: Invitae Variant Classification Sherloc (09022015). Collection method: clinical testing. Allele origin: germline.
Comment: The frequency data for this variant in the population databases is considered unreliable, as metrics indicate insufficient coverage at this position in the ExAC database. This sequence change replaces glutamic acid with aspartic acid at codon 235 of the PRX protein (p.Glu235Asp). The glutamic acid residue is highly conserved and there is a small physicochemical difference between glutamic acid and aspartic acid. This variant has not been reported in the literature in individuals affected with PRX-related conditions. Algorithms developed to predict the effect of missense changes on protein structure and function (SIFT, PolyPhen-2, Align-GVGD) all suggest that this variant is likely to be tolerated. In summary, the available evidence is currently insufficient to determine the role of this variant in disease. Therefore, it has been classified as a Variant of Uncertain Significance.